The following is an entry in ClinVar:

NM_007118.4(TRIO):c.7632+713G>A

Gene: TRIO (trio Rho guanine nucleotide exchange factor; plus strand). Cytogenetic location: 5p15.2.
Variant type: single nucleotide variant.
Coding change: c.7632+713G>A on transcript NM_007118.4 (MANE Select); 713 bases into the intron after coding-DNA position 7632, G replaced by A.
Molecular consequence: intron variant.
Genome position (GRCh38, 1-based): chr5:14,488,973, G>A. VCF-style: chr5-14488973-G-A. GRCh37 (hg19) VCF-style: chr5-14489082-G-A.
Identifiers: ClinVar variation 2655350 (VCV002655350.24), dbSNP rs180997535, ClinGen allele CA3207524.

ClinVar aggregate classification (germline): Benign (1 of 4 stars; one submission).

Allele frequency attached by ClinVar (database versions not stated): TOPMed 0.00025; gnomAD 0.00030; gnomAD exomes 0.00066; ExAC 0.00067; 1000 Genomes Project 30x 0.00109; 1000 Genomes Project 0.00140.
gnomAD v4.1: 439 of 764,872 alleles (0.057%); highest among the groups gnomAD compares: East Asian, 0.93%; 1 homozygote.

Submission:

CeGaT Center for Human Genetics Tuebingen
Classification: Benign. Last evaluated: 2022-04-01. Review status: criteria provided, single submitter. Criteria: CeGaT Center For Human Genetics Tuebingen Variant Classification Criteria Version 2. Collection method: clinical testing. Allele origin: germline. Affected: yes. Observed: 1 variant allele.
Comment: TRIO: BS1, BS2